The following is an entry in ClinVar:

ClinVar aggregate classification (germline): Pathogenic (1 of 4 stars; one submission).

Conditions:
Fabry disease. Also called: ALPHA-GALACTOSIDASE A DEFICIENCY; ANDERSON-FABRY DISEASE; CERAMIDE TRIHEXOSIDASE DEFICIENCY; GLA DEFICIENCY; HEREDITARY DYSTOPIC LIPIDOSIS; Angiokeratoma corporis diffusum. Identifiers: Orphanet 324, MedGen C0002986, MONDO:0010526, OMIM 301500, HP:0001071. Disease mechanism: Fabry disease is due to inactivating mutations in the X-linked GLA gene resulting in deficiency of the enzyme Alpha Galactosidase-A., loss of function.

Submission:

Genomenon, Inc
Classification: Pathogenic for Fabry disease. Last evaluated: 2026-09-08. Review status: criteria provided, single submitter. Criteria: Genomenon Sequence Variant Interpretation Standards - Updated. Collection method: curation. Allele origin: germline. Affected: yes.
Comment: GLA p.Ser188ProfsTer4 (c.562del) is a frameshift variant that is predicted to introduce a premature termination codon and result in a truncated or absent protein product. This variant has been observed in at least one proband with clinical features consistent with Fabry disease (PMID:39390597). It is absent or not present at a significant frequency in gnomAD. In conclusion, we classify GLA p.Ser188ProfsTer4 (c.562del) as a pathogenic variant.

Literature cited by the submitters: PubMed 39390597.

NM_000169.3(GLA):c.562del (p.Ser188fs)

Genes: GLA (galactosidase alpha; minus strand), RPL36A-HNRNPH2 (RPL36A-HNRNPH2 readthrough; plus strand). Cytogenetic location: Xq22.1.
Variant type: Deletion.
Coding change: c.562del on transcript NM_000169.3 (MANE Select); coding-DNA position 562, one base deleted (T; older notation c.562delT).
Protein change: p.Ser188fs; shifts the reading frame from serine 188.
Molecular consequence: frameshift variant. On other transcripts: non-coding transcript variant (2), intron variant (2).
Genome position (GRCh38, 1-based): chrX:101,400,743, A deleted on the plus strand (T on the coding strand, the reverse complement: GLA is on the minus strand). VCF-style (leftmost placement, unchanged base first): chrX-101400742-GA-G. GRCh37 (hg19) VCF-style: chrX-100655730-GA-G.
Other names: c.685del, p.Ser229fs (NM_001406747.1); c.562del, p.Ser188fs (NM_001406748.1); c.300+5286del (NM_001199973.2); c.177+8921del (NM_001199974.2); short protein forms S188fs, S229fs.
Identifiers: ClinVar variation 4086975 (VCV004086975.2).